The following is an entry in ClinVar:

NM_006231.4(POLE):c.6242C>G (p.Thr2081Ser)

Gene: POLE (DNA polymerase epsilon, catalytic subunit; minus strand). Cytogenetic location: 12q24.33.
Variant type: single nucleotide variant.
Coding change: c.6242C>G on transcript NM_006231.4 (MANE Select); coding-DNA position 6242, C replaced by G.
Protein change: p.Thr2081Ser; replaces threonine 2081 with serine.
Molecular consequence: missense variant.
Genome position (GRCh38, 1-based): chr12:132,632,403, G>C on the plus strand (C>G on the coding strand, the complement: POLE is on the minus strand). VCF-style: chr12-132632403-G-C. GRCh37 (hg19) VCF-style: chr12-133208989-G-C.
Other names: short protein forms T2081S.
Identifiers: ClinVar variation 1991009 (VCV001991009.4), dbSNP rs2541854016, ClinGen allele CA387369568.

ClinVar aggregate classification (germline): Uncertain significance (1 of 4 stars; one submission).

Allele frequency attached by ClinVar (database versions not stated): gnomAD exomes below 0.00001.
gnomAD v4.1: 4 of 1,613,826 alleles (0.00025%); highest among the groups gnomAD compares: Non-Finnish European, 0.00034%; no homozygotes.

Submission:

Labcorp Genetics (formerly Invitae), Labcorp
Classification: Uncertain significance. Last evaluated: 2022-05-12. Review status: criteria provided, single submitter. Criteria: Invitae Variant Classification Sherloc (09022015). Collection method: clinical testing. Allele origin: germline.
Comment: Algorithms developed to predict the effect of missense changes on protein structure and function (SIFT, PolyPhen-2, Align-GVGD) all suggest that this variant is likely to be tolerated. This variant has not been reported in the literature in individuals affected with POLE-related conditions. This variant is not present in population databases (gnomAD no frequency). This sequence change replaces threonine, which is neutral and polar, with serine, which is neutral and polar, at codon 2081 of the POLE protein (p.Thr2081Ser). In summary, the available evidence is currently insufficient to determine the role of this variant in disease. Therefore, it has been classified as a Variant of Uncertain Significance.